The following is an entry in ClinVar:

ClinVar aggregate classification (germline): Uncertain significance (1 of 4 stars; one submission).

Allele frequency attached by ClinVar (database versions not stated): gnomAD exomes below 0.00001.
gnomAD v4.1: 1 of 1,613,226 alleles (0.000062%); highest among the groups gnomAD compares: Non-Finnish European, 0.000085%; no homozygotes.

Submission:

Labcorp Genetics (formerly Invitae), Labcorp
Classification: Uncertain significance. Last evaluated: 2022-03-18. Review status: criteria provided, single submitter. Criteria: Invitae Variant Classification Sherloc (09022015). Collection method: clinical testing. Allele origin: germline.
Comment: In summary, the available evidence is currently insufficient to determine the role of this variant in disease. Therefore, it has been classified as a Variant of Uncertain Significance. This variant is not present in population databases (gnomAD no frequency). This sequence change replaces aspartic acid, which is acidic and polar, with glutamic acid, which is acidic and polar, at codon 752 of the LRP2 protein (p.Asp752Glu). This variant has not been reported in the literature in individuals affected with LRP2-related conditions. Advanced modeling of protein sequence and biophysical properties (such as structural, functional, and spatial information, amino acid conservation, physicochemical variation, residue mobility, and thermodynamic stability) performed at Invitae indicates that this missense variant is not expected to disrupt LRP2 protein function.

NM_004525.3(LRP2):c.2256C>A (p.Asp752Glu)

Gene: LRP2 (LDL receptor related protein 2; minus strand). Cytogenetic location: 2q31.1.
Variant type: single nucleotide variant.
Coding change: c.2256C>A on transcript NM_004525.3 (MANE Select); coding-DNA position 2256, C replaced by A.
Protein change: p.Asp752Glu; replaces aspartic acid 752 with glutamic acid.
Molecular consequence: missense variant.
Genome position (GRCh38, 1-based): chr2:169,270,968, G>T on the plus strand (C>A on the coding strand, the complement: LRP2 is on the minus strand). VCF-style: chr2-169270968-G-T. GRCh37 (hg19) VCF-style: chr2-170127478-G-T.
Other names: short protein forms D752E.
Identifiers: ClinVar variation 2038045 (VCV002038045.4), dbSNP rs2105437311, ClinGen allele CA349161816.